The following is an entry in ClinVar:

NM_006059.4(LAMC3):c.671G>T (p.Gly224Val)

Gene: LAMC3 (laminin subunit gamma 3; plus strand). Cytogenetic location: 9q34.12.
Variant type: single nucleotide variant.
Coding change: c.671G>T on transcript NM_006059.4 (MANE Select); coding-DNA position 671, G replaced by T.
Protein change: p.Gly224Val; replaces glycine 224 with valine.
Molecular consequence: missense variant.
Genome position (GRCh38, 1-based): chr9:131,026,582, G>T. VCF-style: chr9-131026582-G-T. GRCh37 (hg19) VCF-style: chr9-133901969-G-T.
Other names: c.671G>T (NM_006059.3); short protein forms G224V.
Identifiers: ClinVar variation 2084131 (VCV002084131.6), dbSNP rs927249367, ClinGen allele CA200674285.

ClinVar aggregate classification (germline): Conflicting classifications of pathogenicity. Review status: criteria provided, conflicting classifications (1 of 4 stars). 2 submissions from 2 submitters: Uncertain significance (1); Likely benign (1). Last evaluated 2023-03-27.

Conditions:
Inborn genetic diseases. Identifiers: MedGen C0950123, MeSH D030342.

Allele frequency attached by ClinVar (database versions not stated): gnomAD exomes below 0.00001; gnomAD 0.00001; TOPMed 0.00001.
gnomAD v4.1: 7 of 1,593,868 alleles (0.00044%); highest among the groups gnomAD compares: Admixed American, 0.0018%; no homozygotes.

Submissions (2):

Ambry Genetics
Classification: Likely benign for Inborn genetic diseases. Last evaluated: 2023-03-27. Review status: criteria provided, single submitter. Criteria: Ambry Variant Classification Scheme 2023. Collection method: clinical testing. Allele origin: germline.

Labcorp Genetics (formerly Invitae), Labcorp
Classification: Uncertain significance. Last evaluated: 2022-04-30. Review status: criteria provided, single submitter. Criteria: Invitae Variant Classification Sherloc (09022015). Collection method: clinical testing. Allele origin: germline.
Comment: In summary, the available evidence is currently insufficient to determine the role of this variant in disease. Therefore, it has been classified as a Variant of Uncertain Significance. This sequence change replaces glycine, which is neutral and non-polar, with valine, which is neutral and non-polar, at codon 224 of the LAMC3 protein (p.Gly224Val). The frequency data for this variant in the population databases is considered unreliable, as metrics indicate poor data quality at this position in the gnomAD database. This variant has not been reported in the literature in individuals affected with LAMC3-related conditions. Algorithms developed to predict the effect of missense changes on protein structure and function output the following: SIFT: "Tolerated"; PolyPhen-2: "Benign"; Align-GVGD: "Class C0". The valine amino acid residue is found in multiple mammalian species, which suggests that this missense change does not adversely affect protein function.